The following is an entry in ClinVar:

NM_001128228.3(TPRN):c.199G>C (p.Glu67Gln)

Genes: TPRN (taperin; minus strand), LOC130003093 (ATAC-STARR-seq lymphoblastoid silent region 20590; plus strand). Cytogenetic location: 9q34.3.
Variant type: single nucleotide variant.
Coding change: c.199G>C on transcript NM_001128228.3 (MANE Select); coding-DNA position 199, G replaced by C.
Protein change: p.Glu67Gln; replaces glutamic acid 67 with glutamine.
Molecular consequence: missense variant.
Genome position (GRCh38, 1-based): chr9:137,200,513, C>G on the plus strand (G>C on the coding strand, the complement: TPRN is on the minus strand). VCF-style: chr9-137200513-C-G. GRCh37 (hg19) VCF-style: chr9-140094965-C-G.
Other names: short protein forms E67Q.
Identifiers: ClinVar variation 1197680 (VCV001197680.6), dbSNP rs753739683, ClinGen allele CA5362893.

ClinVar aggregate classification (germline): Uncertain significance. Review status: criteria provided, multiple submitters, no conflicts (2 of 4 stars). 4 submissions from 4 submitters: Uncertain significance (4). Last evaluated 2024-11-14.

Allele frequency attached by ClinVar (database versions not stated): gnomAD 0.00033 and 0.00036; TOPMed 0.00038; gnomAD exomes 0.00108; ExAC 0.00219.
gnomAD v4.1: 256 of 1,161,248 alleles (0.022%); highest among the groups gnomAD compares: Admixed American, 0.042%; 1 homozygote.

Submissions (4):

Women's Health and Genetics/Laboratory Corporation of America, LabCorp
Classification: Uncertain significance. Last evaluated: 2024-11-14. Review status: criteria provided, single submitter. Criteria: LabCorp Variant Classification Summary - May 2015. Collection method: clinical testing. Allele origin: germline.
Comment: Variant summary: TPRN c.199G>C (p.Glu67Gln) results in a conservative amino acid change located in the PP1-regulatory protein, Phostensin N-terminal domain (IPR025903) of the encoded protein sequence. Three of four in-silico tools predict a benign effect of the variant on protein function. The variant allele was found at a frequency of 0.0011 in 26848 control chromosomes. This frequency is not significantly higher than estimated for a pathogenic variant in TPRN causing Autosomal Recessive Nonsyndromic Hearing Loss 79, allowing no conclusion about variant significance. c.199G>C has been reported in the literature in a homozygous individual affected with Autosomal Recessive Nonsyndromic Hearing Loss 79 (Sloan-Heggen_2016). These data indicate that the variant may be associated with disease. To our knowledge, no experimental evidence demonstrating an impact on protein function has been reported. The following publication have been ascertained in the context of this evaluation (PMID: 26969326). ClinVar contains an entry for this variant (Variation ID: 1197680). Based on the evidence outlined above, the variant was classified as VUS-possibly pathogenic.

Blueprint Genetics
Classification: Uncertain significance. Last evaluated: 2024-09-03. Review status: criteria provided, single submitter. Criteria: ACMG Guidelines, 2015. Collection method: clinical testing. Allele origin: germline.

Labcorp Genetics (formerly Invitae), Labcorp
Classification: Uncertain significance. Last evaluated: 2022-04-12. Review status: criteria provided, single submitter. Criteria: Invitae Variant Classification Sherloc (09022015). Collection method: clinical testing. Allele origin: germline.
Comment: This sequence change replaces glutamic acid, which is acidic and polar, with glutamine, which is neutral and polar, at codon 67 of the TPRN protein (p.Glu67Gln). The frequency data for this variant in the population databases is considered unreliable, as metrics indicate poor data quality at this position in the gnomAD database. This missense change has been observed in individual(s) with nonsyndromic deafness (PMID: 26969326). ClinVar contains an entry for this variant (Variation ID: 1197680). Algorithms developed to predict the effect of missense changes on protein structure and function are either unavailable or do not agree on the potential impact of this missense change (SIFT: "Deleterious"; PolyPhen-2: "Benign"; Align-GVGD: "Class C0"). In summary, the available evidence is currently insufficient to determine the role of this variant in disease. Therefore, it has been classified as a Variant of Uncertain Significance.

GeneDx
Classification: Uncertain significance. Last evaluated: 2020-12-14. Review status: criteria provided, single submitter. Criteria: GeneDx Variant Classification Process June 2021. Collection method: clinical testing. Allele origin: germline. Affected: yes.
Comment: In silico analysis supports that this missense variant does not alter protein structure/function; This variant is associated with the following publications: (PMID: 26969326)

Literature cited by the submitters: PubMed 26969326 (cited by Women's Health and Genetics/Laboratory Corporation of America, LabCorp and Labcorp Genetics (formerly Invitae), Labcorp).